The following is an entry in ClinVar:

ClinVar aggregate classification (germline): Pathogenic. Review status: criteria provided, multiple submitters, no conflicts (2 of 4 stars). 4 submissions from 4 submitters: Pathogenic (4). Last evaluated 2025-07-23.

Conditions:
Congenital myasthenic syndrome 4B. Also called: Myasthenic syndrome, congenital, 4b, fast-channel. Identifiers: Orphanet 590, MedGen C4225369, MONDO:0014586, OMIM 616324.
Congenital myasthenic syndrome 4A. Also called: Myasthenic syndrome, congenital, 4a, slow-channel; MYASTHENIC SYNDROME, CONGENITAL, 4A, SLOW-CHANNEL, AUTOSOMAL RECESSIVE; CONGENITAL MYASTHENIC SYNDROME TYPE Ia1. Identifiers: Orphanet 590, MedGen C4225413, MONDO:0011600, OMIM 605809.
Congenital myasthenic syndrome (CMS). Also called: Congenital Myasthenic Syndromes. Identifiers: Orphanet 590, MedGen C0751882, MeSH D020294, MONDO:0018940.

Submissions (4):

Labcorp Genetics (formerly Invitae), Labcorp
Classification: Pathogenic for Congenital myasthenic syndrome 4A. Last evaluated: 2025-07-23. Review status: criteria provided, single submitter. Criteria: Invitae Variant Classification Sherloc (09022015). Collection method: clinical testing. Allele origin: germline.
Comment: This variant, c.1367_1369del, results in the deletion of 1 amino acid(s) of the CHRNE protein (p.Asn456del), but otherwise preserves the integrity of the reading frame. This variant is present in population databases (rs748289906, gnomAD 0.004%). This variant has been observed in individual(s) with autosomal recessive congenital myasthenic syndrome (PMID: 15615813). In at least one individual the data is consistent with being in trans (on the opposite chromosome) from a pathogenic variant. This variant is also known as 1306delAAC (N436del). ClinVar contains an entry for this variant (Variation ID: 973529). Algorithms developed to predict the effect of variants on gene product structure and function are not available or were not evaluated for this variant. Experimental studies have shown that this variant affects CHRNE function (PMID: 15615813). For these reasons, this variant has been classified as Pathogenic.

Natera, Inc.
Classification: Pathogenic for Congenital myasthenic syndrome. Last evaluated: 2025-06-30. Review status: criteria provided, single submitter. Criteria: Natera Variant Classification Schema (03/2026). Collection method: clinical testing. Allele origin: germline.
Comment: The c.1367_1369delACA variant in CHRNE is an in-frame deletion predicted to remove asparagine at amino acid 456 while preserving the reading frame. This variant is rare in the general population with a frequency below the threshold expected for the associated phenotype(s). This variant has been observed in one or more individuals affected with the associated recessive disease, as either homozygous or compound heterozygous with a second variant (PMID: 33083013, 15615813). Given the available evidence, this variant is classified as Pathogenic.

Baylor Genetics
Classification: Pathogenic for Congenital myasthenic syndrome 4A. Last evaluated: 2021-12-02. Review status: criteria provided, single submitter. Criteria: ACMG Guidelines, 2015. Collection method: clinical testing. Allele origin: unknown.

CENTOGENE GmbH and LLC - Guiding Precision Medicine
Classification: Pathogenic for Congenital myasthenic syndrome type 4B, fast-channel. Review status: criteria provided, single submitter. Criteria: ACMG Guidelines, 2015. Collection method: clinical testing. Allele origin: germline. Affected: yes.

Literature cited by the submitters: PubMed 15615813 (cited by Labcorp Genetics (formerly Invitae), Labcorp and Natera, Inc.); PubMed 33083013 (cited by Natera, Inc.).

NM_000080.4(CHRNE):c.1364ACA[1] (p.Asn456del)

Gene: CHRNE (cholinergic receptor nicotinic epsilon subunit; minus strand). Cytogenetic location: 17p13.2.
Variant type: Microsatellite.
Coding change: c.1364ACA[1] on transcript NM_000080.4 (MANE Select); one copy of the 3-base unit ACA starting at c.1364; the reference has two copies in a row; one copy, 3 bases deleted; also written c.1367_1369del.
Protein change: p.Asn456del; deletes asparagine 456.
Molecular consequence: inframe deletion.
Genome position (GRCh38, 1-based): chr17:4,898,849-4,898,851, TGT deleted on the plus strand (ACA on the coding strand, the reverse complement: CHRNE is on the minus strand); deleting any 3 consecutive bases within chr17:4,898,849-4,898,854 gives the same sequence; the position shown is the placement nearest the transcript's 3' end. VCF-style (leftmost placement, unchanged base first): chr17-4898848-ATGT-A. GRCh37 (hg19) VCF-style: chr17-4802143-ATGT-A.
Other names: c.1367_1369del (NM_000080.4); c.1367_1369delACA (NM_000080.3); short protein forms N456del.
Identifiers: ClinVar variation 973529 (VCV000973529.6), dbSNP rs748289906, ClinGen allele CA8313840.